The following is an entry in ClinVar:

ClinVar aggregate classification (germline): Uncertain significance. Review status: criteria provided, multiple submitters, no conflicts (2 of 4 stars). 2 submissions from 2 submitters: Uncertain significance (2). Last evaluated 2023-11-27.

Conditions:
Joubert syndrome 21 (JBTS21). Identifiers: MedGen C3810212, MONDO:0014288, OMIM 615636.

Allele frequency attached by ClinVar (database versions not stated): TOPMed 0.00002; gnomAD exomes 0.00003 and 0.00005; ExAC 0.00005; gnomAD 0.00005; ESP Exome Variant Server 0.00008.
gnomAD v4.1: 46 of 1,569,934 alleles (0.0029%); highest among the groups gnomAD compares: Non-Finnish European, 0.0037%; no homozygotes.

Submissions (2):

Labcorp Genetics (formerly Invitae), Labcorp
Classification: Uncertain significance for Joubert syndrome 21. Last evaluated: 2023-11-27. Review status: criteria provided, single submitter. Criteria: Invitae Variant Classification Sherloc (09022015). Collection method: clinical testing. Allele origin: germline.
Comment: This sequence change replaces proline, which is neutral and non-polar, with leucine, which is neutral and non-polar, at codon 644 of the CSPP1 protein (p.Pro644Leu). This variant is present in population databases (rs376210928, gnomAD 0.01%). This missense change has been observed in individual(s) with a disorder of cerebral cortical development (PMID: 29706646). ClinVar contains an entry for this variant (Variation ID: 438592). An algorithm developed to predict the effect of missense changes on protein structure and function (PolyPhen-2) suggests that this variant is likely to be disruptive. In summary, the available evidence is currently insufficient to determine the role of this variant in disease. Therefore, it has been classified as a Variant of Uncertain Significance.

Lupski Lab, Baylor-Hopkins CMG, Baylor College of Medicine
Classification: Uncertain significance for Joubert syndrome 21. Last evaluated: 2017-09-01. Review status: criteria provided, single submitter. Criteria: Wiszniewski et al. (Eur J Hum Genet. 2018). Collection method: research. Allele origin: inherited, unknown. Inheritance: Autosomal recessive inheritance. Affected: yes and no. Observed: 2 variant alleles.

Literature cited by the submitters: PubMed 29706646 (cited by Labcorp Genetics (formerly Invitae), Labcorp).

NM_001382391.1(CSPP1):c.1946C>T (p.Pro649Leu)

Gene: CSPP1 (centrosome and spindle pole associated protein 1; plus strand). Cytogenetic location: 8q13.2.
Variant type: single nucleotide variant.
Coding change: c.1946C>T on transcript NM_001382391.1 (MANE Select); coding-DNA position 1946, C replaced by T.
Protein change: p.Pro649Leu; replaces proline 649 with leucine.
Molecular consequence: missense variant.
Genome position (GRCh38, 1-based): chr8:67,137,574, C>T. VCF-style: chr8-67137574-C-T. GRCh37 (hg19) VCF-style: chr8-68049809-C-T.
Other names: c.1049C>T, p.Pro350Leu (NM_001291339.2); c.1865C>T, p.Pro622Leu (NM_001363131.2); c.1904C>T, p.Pro635Leu (NM_001363132.2); c.1823C>T, p.Pro608Leu (NM_001363133.2); c.2012C>T, p.Pro671Leu (NM_001364869.1); c.1832C>T, p.Pro611Leu (NM_001364870.1); c.1931C>T, p.Pro644Leu (NM_024790.7); short protein forms P644L, P608L, P635L, P671L, P350L, P611L, P622L, P649L.
Identifiers: ClinVar variation 438592 (VCV000438592.6), dbSNP rs376210928, ClinGen allele CA4770695.